The following is an entry in ClinVar:

ClinVar aggregate classification (germline): Uncertain significance. Review status: criteria provided, multiple submitters, no conflicts (2 of 4 stars). 3 submissions from 3 submitters: Uncertain significance (3). Last evaluated 2026-01-30.

Conditions:
BBS4-related disorder. Also called: BBS4-related condition.
Inborn genetic diseases. Identifiers: MedGen C0950123, MeSH D030342.

gnomAD v4.1: 13 of 1,614,044 alleles (0.00081%); highest among the groups gnomAD compares: Admixed American, 0.0067%; no homozygotes.

Submissions (3):

PreventionGenetics, part of Exact Sciences
Classification: Uncertain significance for BBS4-related condition. Last evaluated: 2026-01-30. Review status: criteria provided, single submitter. Criteria: ACMG Guidelines, 2015. Collection method: clinical testing. Allele origin: germline.
Comment: The BBS4 c.1430C>T variant is predicted to result in the amino acid substitution p.Ala477Val. To our knowledge, this variant has not been reported in the literature. This variant is reported in 0.0058% of alleles in individuals of Latino descent in gnomAD. At this time, the clinical significance of this variant is uncertain due to the absence of conclusive functional and genetic evidence.

GeneDx
Classification: Uncertain significance. Last evaluated: 2024-09-26. Review status: criteria provided, single submitter. Criteria: GeneDx Variant Classification Process June 2021. Collection method: clinical testing. Allele origin: germline. Affected: yes.
Comment: In silico analysis indicates that this missense variant does not alter protein structure/function; Has not been previously published as pathogenic or benign to our knowledge

Ambry Genetics
Classification: Uncertain significance for Inborn genetic diseases. Last evaluated: 2024-07-27. Review status: criteria provided, single submitter. Criteria: Ambry Variant Classification Scheme 2023. Collection method: clinical testing. Allele origin: germline.

NM_033028.5(BBS4):c.1430C>T (p.Ala477Val)

Gene: BBS4 (Bardet-Biedl syndrome 4; plus strand). Cytogenetic location: 15q24.1.
Variant type: single nucleotide variant.
Coding change: c.1430C>T on transcript NM_033028.5 (MANE Select); coding-DNA position 1430, C replaced by T.
Protein change: p.Ala477Val; replaces alanine 477 with valine.
Molecular consequence: missense variant. On other transcripts: non-coding transcript variant (2).
Genome position (GRCh38, 1-based): chr15:72,736,943, C>T. VCF-style: chr15-72736943-C-T. GRCh37 (hg19) VCF-style: chr15-73029284-C-T.
Other names: c.914C>T, p.Ala305Val (NM_001252678.2); c.1361C>T, p.Ala454Val (NM_001320665.2); c.1430C>T (NM_033028.4); short protein forms A305V, A477V, A454V.
Identifiers: ClinVar variation 3479925 (VCV003479925.3).
Genomic context (GRCh38, chr15:72,736,943, plus strand): 5'-GTTTCCAGCAGCCTCTGGGCTCTAATCAAGCTCTAGGACAGGCAATGTCTTCAGCAGCTG[C>T]ATACAGGACGCTCCCCTCAGGTAGGACCATACAGAGCTCCATGAAGACCTGGCAGGTACA-3'
Protein context (NP_149017.2, residues 467-487): ALGQAMSSAA[Ala477Val]YRTLPSGAGG